The following is an entry in ClinVar:

ClinVar aggregate classification (germline): Benign/Likely benign. Review status: criteria provided, multiple submitters, no conflicts (2 of 4 stars). 3 submissions from 3 submitters: Benign (1); Likely benign (2). Last evaluated 2024-12-06.

Conditions:
Familial cancer of breast. Also called: BREAST CANCER, FAMILIAL; Hereditary breast cancer; hereditary breast carcinoma. Identifiers: Orphanet 227535, MedGen C0346153, MONDO:0016419, OMIM 114480. Disease mechanism: loss of function.
Hereditary cancer-predisposing syndrome. Also called: Neoplastic Syndromes, Hereditary; Tumor predisposition; Hereditary Cancer Syndrome; Hereditary neoplastic syndrome. Identifiers: Orphanet 140162, MedGen C0027672, MeSH D009386, MONDO:0015356.
Ataxia-telangiectasia syndrome (AT). Also called: LOUIS-BAR SYNDROME; Cerebello-oculocutaneous telangiectasia; Immunodeficiency with ataxia telangiectasia; Ataxia-telangiectasia, complementation group D; AT, COMPLEMENTATION GROUP C; ATAXIA-TELANGIECTASIA, COMPLEMENTATION GROUP A. Identifiers: Orphanet 100, MedGen C0004135, MONDO:0008840, OMIM 208900.

Submissions (3):

Labcorp Genetics (formerly Invitae), Labcorp
Classification: Likely benign for Ataxia-telangiectasia syndrome. Last evaluated: 2024-12-06. Review status: criteria provided, single submitter. Criteria: Invitae Variant Classification Sherloc (09022015). Collection method: clinical testing. Allele origin: germline.

Myriad Genetics, Inc.
Classification: Benign for Familial cancer of breast. Last evaluated: 2024-05-15. Review status: criteria provided, single submitter. Criteria: Myriad Autosomal Dominant, Autosomal Recessive and X-Linked Classification Criteria (2023). Collection method: clinical testing. Allele origin: unknown.
Comment: This variant is considered benign. This variant is a silent/synonymous amino acid change and it is not expected to impact splicing.

Ambry Genetics
Classification: Likely benign for Hereditary cancer-predisposing syndrome. Last evaluated: 2021-12-05. Review status: criteria provided, single submitter. Criteria: Ambry Variant Classification Scheme 2023. Collection method: clinical testing. Allele origin: germline.

NM_000051.4(ATM):c.3702T>C (p.Phe1234=)

Gene: ATM (ATM serine/threonine kinase; plus strand). Cytogenetic location: 11q22.3.
Variant type: single nucleotide variant.
Coding change: c.3702T>C on transcript NM_000051.4 (MANE Select); coding-DNA position 3702, T replaced by C.
Protein change: p.Phe1234=; no amino-acid change (phenylalanine 1234 retained).
Molecular consequence: synonymous variant.
Genome position (GRCh38, 1-based): chr11:108,282,835, T>C. VCF-style: chr11-108282835-T-C. GRCh37 (hg19) VCF-style: chr11-108153562-T-C.
Other names: c.3702T>C, p.Phe1234= (NM_001351834.2).
Identifiers: ClinVar variation 1734115 (VCV001734115.5), dbSNP rs876659605, ClinGen allele CA476673320.